The following is an entry in ClinVar:

NM_000243.3(MEFV):c.1431G>T (p.Glu477Asp)

Gene: MEFV (MEFV innate immunity regulator, pyrin; minus strand). Cytogenetic location: 16p13.3.
Variant type: single nucleotide variant.
Coding change: c.1431G>T on transcript NM_000243.3 (MANE Select); coding-DNA position 1431, G replaced by T.
Protein change: p.Glu477Asp; replaces glutamic acid 477 with aspartic acid.
Molecular consequence: missense variant.
Genome position (GRCh38, 1-based): chr16:3,247,172, C>A on the plus strand (G>T on the coding strand, the complement: MEFV is on the minus strand). VCF-style: chr16-3247172-C-A. GRCh37 (hg19) VCF-style: chr16-3297172-C-A.
Other names: c.798G>T, p.Glu266Asp (NM_001198536.2); short protein forms E266D, E477D.
Identifiers: ClinVar variation 2131729 (VCV002131729.4), dbSNP rs1467779773, ClinGen allele CA394464496.
Genomic context (GRCh38, chr16:3,247,172, plus strand): 5'-TGCCTTCCTGATCTGCCCAACCATCTGGCCCACGTCCTCCAGTGAGGCCACAAAGAAATG[C>A]TCTTGCTGCTCCAGGAAGTAGTACACCTGCTCCAGCTTCCTCTGCACCCGCTGCTTCAGC-3'
Protein context (NP_000234.1, residues 467-487): EQVYYFLEQQ[Glu477Asp]HFFVASLEDV

ClinVar aggregate classification (germline): Uncertain significance (1 of 4 stars; one submission).

Conditions:
Familial Mediterranean fever (FMF). Also called: POLYSEROSITIS, FAMILIAL PAROXYSMAL; POLYSEROSITIS, RECURRENT; Periodic peritonitis; Benign paroxysmal peritonitis. Identifiers: Orphanet 342, MedGen C0031069, MONDO:0018088, OMIM 249100. Disease mechanism: gain of function.

Submission:

Labcorp Genetics (formerly Invitae), Labcorp
Classification: Uncertain significance for Familial Mediterranean fever. Last evaluated: 2022-04-29. Review status: criteria provided, single submitter. Criteria: Invitae Variant Classification Sherloc (09022015). Collection method: clinical testing. Allele origin: germline.
Comment: In summary, the available evidence is currently insufficient to determine the role of this variant in disease. Therefore, it has been classified as a Variant of Uncertain Significance. Algorithms developed to predict the effect of missense changes on protein structure and function are either unavailable or do not agree on the potential impact of this missense change (SIFT: "Tolerated"; PolyPhen-2: "Probably Damaging"; Align-GVGD: "Class C0"). This variant has not been reported in the literature in individuals affected with MEFV-related conditions. This variant is not present in population databases (gnomAD no frequency). This sequence change replaces glutamic acid, which is acidic and polar, with aspartic acid, which is acidic and polar, at codon 477 of the MEFV protein (p.Glu477Asp).